The following is an entry in ClinVar:

ClinVar aggregate classification (germline): Uncertain significance (1 of 4 stars; one submission).

gnomAD v4.1: 16 of 1,614,176 alleles (0.00099%); highest among the groups gnomAD compares: East Asian, 0.0022%; no homozygotes.

Submission:

GeneDx
Classification: Uncertain significance. Last evaluated: 2025-05-13. Review status: criteria provided, single submitter. Criteria: GeneDx Variant Classification Process June 2021. Collection method: clinical testing. Allele origin: germline. Affected: yes.
Comment: Not observed at significant frequency in large population cohorts (gnomAD); Nonsense variant predicted to result in protein truncation or nonsense mediated decay in a gene or region of a gene for which loss of function is not a well-established mechanism of disease; Has not been previously published as pathogenic or benign to our knowledge

NM_001303457.2(TTI1):c.169C>T (p.Arg57Ter)

Gene: TTI1 (TELO2 interacting protein 1; minus strand). Cytogenetic location: 20q11.23.
Variant type: single nucleotide variant.
Coding change: c.169C>T on transcript NM_001303457.2 (MANE Select); coding-DNA position 169, C replaced by T.
Protein change: p.Arg57Ter; replaces arginine 57 with a stop codon.
Molecular consequence: nonsense.
Genome position (GRCh38, 1-based): chr20:38,013,648, G>A on the plus strand (C>T on the coding strand, the complement: TTI1 is on the minus strand). VCF-style: chr20-38013648-G-A. GRCh37 (hg19) VCF-style: chr20-36642050-G-A.
Other names: c.169C>T, p.Arg57Ter (NM_014657.3); short protein forms R57*.
Identifiers: ClinVar variation 4530002 (VCV004530002.1).